The following is an entry in ClinVar:

NM_022835.3(PLEKHG2):c.2475C>T (p.Ser825=)

Gene: PLEKHG2 (pleckstrin homology and RhoGEF domain containing G2; plus strand). Cytogenetic location: 19q13.2.
Variant type: single nucleotide variant.
Coding change: c.2475C>T on transcript NM_022835.3 (MANE Select); coding-DNA position 2475, C replaced by T.
Protein change: p.Ser825=; no amino-acid change (serine 825 retained).
Molecular consequence: synonymous variant. On other transcripts: intron variant (1).
Genome position (GRCh38, 1-based): chr19:39,423,529, C>T. VCF-style: chr19-39423529-C-T. GRCh37 (hg19) VCF-style: chr19-39914169-C-T.
Other names: c.2298C>T, p.Ser766= (NM_001351693.2); c.1677+1241C>T (NM_001351694.2).
Identifiers: ClinVar variation 2190841 (VCV002190841.6), dbSNP rs769598867, ClinGen allele CA9429783.
Genomic context (GRCh38, chr19:39,423,529, plus strand): 5'-AGGAGCCCCGAGTTCAGAAAGGACGGCGTCCCGAGTGCGAGAGCTGGCCCGGCTTTACAG[C>T]GAGCGGATCCAGCAGATGCAGCGGGCGGAGACTCGGGCATCAGCCAATGCCCCGCGCCGC-3'
Protein context (NP_073746.2, residues 815-835): SRVRELARLY[Ser825=]ERIQQMQRAE

ClinVar aggregate classification (germline): Likely benign. Review status: criteria provided, multiple submitters, no conflicts (2 of 4 stars). 2 submissions from 2 submitters: Likely benign (2). Last evaluated 2026-04-01.

Allele frequency attached by ClinVar (database versions not stated): TOPMed 0.00003; ExAC 0.00005.
gnomAD v4.1: 27 of 1,561,670 alleles (0.0017%); highest among the groups gnomAD compares: South Asian, 0.0048%; no homozygotes.

Submissions (2):

CeGaT Center for Human Genetics Tuebingen
Classification: Likely benign. Last evaluated: 2026-04-01. Review status: criteria provided, single submitter. Criteria: CeGaT Center For Human Genetics Tuebingen Variant Classification Criteria Version 2. Collection method: clinical testing. Allele origin: germline. Affected: yes. Observed: 1 variant allele.
Comment: PLEKHG2: BP4, BP7

Labcorp Genetics (formerly Invitae), Labcorp
Classification: Likely benign. Last evaluated: 2024-07-12. Review status: criteria provided, single submitter. Criteria: Invitae Variant Classification Sherloc (09022015). Collection method: clinical testing. Allele origin: germline.